The following is an entry in ClinVar:

NM_001009999.3(KDM1A):c.2106C>A (p.Phe702Leu)

Gene: KDM1A (lysine demethylase 1A; plus strand). Cytogenetic location: 1p36.12.
Variant type: single nucleotide variant.
Coding change: c.2106C>A on transcript NM_001009999.3 (MANE Select); coding-DNA position 2106, C replaced by A.
Protein change: p.Phe702Leu; replaces phenylalanine 702 with leucine.
Molecular consequence: missense variant.
Genome position (GRCh38, 1-based): chr1:23,079,603, C>A. VCF-style: chr1-23079603-C-A. GRCh37 (hg19) VCF-style: chr1-23406096-C-A.
Other names: c.2052C>A, p.Phe684Leu (NM_001363654.2); c.2112C>A, p.Phe704Leu (NM_001410762.1); c.2034C>A, p.Phe678Leu (NM_001410763.1, NM_015013.4); short protein forms F678L, F684L, F702L, F704L.
Identifiers: ClinVar variation 5023066 (VCV005023066.1).

ClinVar aggregate classification (germline): Uncertain significance (1 of 4 stars; one submission).

Conditions:
Inborn genetic diseases. Identifiers: MedGen C0950123, MeSH D030342.

Submission:

Ambry Genetics
Classification: Uncertain significance for Inborn genetic diseases. Last evaluated: 2026-07-13. Review status: criteria provided, single submitter. Criteria: Ambry Variant Classification Scheme 2023. Collection method: clinical testing. Allele origin: germline.
Comment: The p.F702L variant (also known as c.2106C>A), located in coding exon 18 of the KDM1A gene, results from a C to A substitution at nucleotide position 2106. The phenylalanine at codon 702 is replaced by leucine, an amino acid with highly similar properties. This amino acid position is conserved. In addition, this alteration is predicted to be deleterious by in silico analysis. Based on the available evidence, the clinical significance of this variant remains unclear.